The following is an entry in ClinVar:

NM_000520.6(HEXA):c.345T>G (p.Asn115Lys)

Gene: HEXA (hexosaminidase subunit alpha; minus strand). Cytogenetic location: 15q23.
Variant type: single nucleotide variant.
Coding change: c.345T>G on transcript NM_000520.6 (MANE Select); coding-DNA position 345, T replaced by G.
Protein change: p.Asn115Lys; replaces asparagine 115 with lysine.
Molecular consequence: missense variant. On other transcripts: non-coding transcript variant (1).
Genome position (GRCh38, 1-based): chr15:72,356,526, A>C on the plus strand (T>G on the coding strand, the complement: HEXA is on the minus strand). VCF-style: chr15-72356526-A-C. GRCh37 (hg19) VCF-style: chr15-72648867-A-C.
Other names: c.378T>G, p.Asn126Lys (NM_001318825.2); short protein forms N115K, N126K.
Identifiers: ClinVar variation 652196 (VCV000652196.10), dbSNP rs774220090, ClinGen allele CA7645038.

ClinVar aggregate classification (germline): Uncertain significance. Review status: criteria provided, multiple submitters, no conflicts (2 of 4 stars). 4 submissions from 4 submitters: Uncertain significance (3). 1 of the submissions does not count toward it. Last evaluated 2025-12-16.

Conditions:
Inborn genetic diseases. Identifiers: MedGen C0950123, MeSH D030342.
Tay-Sachs disease (TSD). Also called: HEXA DEFICIENCY; Hexosaminidase A Deficiency; HEXA Disorders; GM2 gangliosidosis, type 1; Hexosaminidase alpha-subunit deficiency (variant B); Sphingolipidosis, Tay-Sachs. Identifiers: Orphanet 845, MedGen C0039373, MONDO:0010100, OMIM 272800.

Allele frequency attached by ClinVar (database versions not stated): gnomAD exomes 0.00001; ExAC 0.00002; TOPMed 0.00002.
gnomAD v4.1: 20 of 1,614,044 alleles (0.0012%); highest among the groups gnomAD compares: Non-Finnish European, 0.0017%; no homozygotes.

Submissions (4):

Ambry Genetics
Classification: Uncertain significance for Inborn genetic diseases. Last evaluated: 2025-12-16. Review status: criteria provided, single submitter. Criteria: Ambry Variant Classification Scheme 2023. Collection method: clinical testing. Allele origin: germline.

GeneDx
Classification: Uncertain significance. Last evaluated: 2025-01-06. Review status: criteria provided, single submitter. Criteria: GeneDx Variant Classification Process June 2021. Collection method: clinical testing. Allele origin: germline. Affected: yes.
Comment: Not observed at significant frequency in large population cohorts (gnomAD); In silico analysis indicates that this missense variant does not alter protein structure/function; Has not been previously published as pathogenic or benign to our knowledge

Labcorp Genetics (formerly Invitae), Labcorp
Classification: Uncertain significance for Tay-Sachs disease. Last evaluated: 2022-07-30. Review status: criteria provided, single submitter. Criteria: Invitae Variant Classification Sherloc (09022015). Collection method: clinical testing. Allele origin: germline.
Comment: This sequence change replaces asparagine, which is neutral and polar, with lysine, which is basic and polar, at codon 115 of the HEXA protein (p.Asn115Lys). This variant is present in population databases (rs774220090, gnomAD 0.002%). This variant has not been reported in the literature in individuals affected with HEXA-related conditions. ClinVar contains an entry for this variant (Variation ID: 652196). Algorithms developed to predict the effect of missense changes on protein structure and function (SIFT, PolyPhen-2, Align-GVGD) all suggest that this variant is likely to be tolerated. In summary, the available evidence is currently insufficient to determine the role of this variant in disease. Therefore, it has been classified as a Variant of Uncertain Significance.

Natera, Inc.
Classification: Uncertain significance for Tay-Sachs disease. Last evaluated: 2019-02-18. Review status: no assertion criteria provided. Collection method: clinical testing. Allele origin: germline. Not counted in ClinVar's aggregate classification.